The following is an entry in ClinVar:

NM_172107.4(KCNQ2):c.430C>G (p.Arg144Gly)

Gene: KCNQ2 (potassium voltage-gated channel subfamily Q member 2; minus strand). Cytogenetic location: 20q13.33.
Variant type: single nucleotide variant.
Coding change: c.430C>G on transcript NM_172107.4 (MANE Select); coding-DNA position 430, C replaced by G.
Protein change: p.Arg144Gly; replaces arginine 144 with glycine.
Molecular consequence: missense variant.
Genome position (GRCh38, 1-based): chr20:63,445,322, G>C on the plus strand (C>G on the coding strand, the complement: KCNQ2 is on the minus strand). VCF-style: chr20-63445322-G-C. GRCh37 (hg19) VCF-style: chr20-62076675-G-C.
Other names: c.430C>G, p.Arg144Gly (NM_004518.6, NM_172106.3, NM_172108.5 and 1 more transcripts); short protein forms R144G.
Identifiers: ClinVar variation 520399 (VCV000520399.10), dbSNP rs1555873985, ClinGen allele CA409655458.

ClinVar aggregate classification (germline): Pathogenic/Likely pathogenic. Review status: criteria provided, multiple submitters, no conflicts (2 of 4 stars). 4 submissions from 4 submitters: Pathogenic (1); Likely pathogenic (3). Last evaluated 2019-12-06.

Conditions:
Inborn genetic diseases. Identifiers: MedGen C0950123, MeSH D030342.
KCNQ2-Related Disorders. Also called: KCNQ2-related disorder; KCNQ2-related condition. Identifiers: MedGen CN169299.
Developmental and epileptic encephalopathy, 7 (DEE7). Also called: Early infantile epileptic encephalopathy 7; KCNQ2-Related Neonatal-Onset Developmental and Epileptic Encephalopathy (NEO-DEE); KCNQ2-Related Neonatal Epileptic Encephalopathy. Identifiers: Orphanet 439218, MedGen C3150986, MONDO:0013387, OMIM 613720.

Submissions (4):

Illumina Laboratory Services, Illumina
Classification: Likely pathogenic for KCNQ2-Related Disorders. Last evaluated: 2019-12-06. Review status: criteria provided, single submitter. Criteria: ICSLVariantClassificationCriteria RUGD 01 April 2020. Collection method: clinical testing. Allele origin: unknown.
Comment: The KCNQ2 c.430C>G (p.Arg144Gly) variant is a missense variant that has been reported in a heterozygous state in one affected individual with a Rett-like phenotype (Vidal et al. 2019). The affected individual is specifically noted to have psychomotor delay and intellectual disability, but no developmental regression or breathing problems; no additional phenotypes were described. The p.Arg144Gly variant is not found in the Genome Aggregation Database despite good sequence coverage, so the variant is presumed to be rare. Two additional variants at the Arg144 residue have been described in literature, including p.Arg144Gln in an infant who presented with infantile spasms without seizures, global developmental delays, poor eye contact, no speech, inability to walk, and bilateral enlarged kidneys were also noted (Epi4K Consortium et al. 2013). The second variant at the Arg144 residue was identified in an affected individual with intellectual disability, but no additional phenotypes were described (Lelieveld et al. 2016). The p.Arg144Gly variant is located in the third segment of the transmembrane domain (Vidal et al. 2019). Based on the de novo state, absence from population frequency databases, and additional clinical evidence for the Arg144 residue, the p.Arg144Gly variant is classified as likely pathogenic for KCNQ2-related disorders.

MVZ Martinsried, Medicover Genetics
Classification: Likely pathogenic for Developmental and epileptic encephalopathy, 7. Last evaluated: 2017-11-09. Review status: criteria provided, single submitter. Criteria: ACMG Guidelines, 2015. Collection method: clinical testing. Allele origin: unknown. Affected: yes.

Ambry Genetics
Classification: Likely pathogenic for Inborn genetic diseases. Last evaluated: 2017-01-12. Review status: criteria provided, single submitter. Criteria: Ambry exome assertion method (8-5-2015). Collection method: clinical testing. Allele origin: germline. Affected: yes. Observed: 1 variant allele.

Rady Children's Institute for Genomic Medicine, Rady Children's Hospital San Diego
Classification: Pathogenic for KCNQ2-Related Disorders. Review status: criteria provided, single submitter. Criteria: ACMG Guidelines, 2015. Collection method: clinical testing. Allele origin: germline. Affected: yes.
Comment: This variant has been previously reported as heterozygous, unknown inheritance, in a patient with Rett-like syndrome (PMID: 31105003). Two other missense changes affecting the same amino acid residue have been reported as de novo changes in patients with neurodevelopmental disorders (c.430C>T (p.Arg144Trp); PMID: 28628100) and seizure disorders including epileptic encephalopathy and infantile spasms (c.431G>A (p.Arg144Gln); PMID: 23934111, 29186148, 30174244). It is absent from the gnomAD population database and thus is presumed to be rare. The c.430C>G (p.Arg144Gly) variant affects a highly conserved amino acid and is predicted by multiple in silico tools to have a deleterious effect on protein function. Analysis of the parental samples was negative for the variant, indicating this variant likely occurred as a de novo event. Based on the available evidence, the c.430C>G (p.Arg144Gly) variant is classified as Pathogenic.

Literature cited by the submitters: PubMed 23934111 (cited by Illumina Laboratory Services, Illumina and Ambry Genetics); PubMed 27479843 (cited by Illumina Laboratory Services, Illumina); PubMed 31105003 (cited by Illumina Laboratory Services, Illumina).